The following is an entry in ClinVar:

ClinVar aggregate classification (germline): Uncertain significance. Review status: criteria provided, multiple submitters, no conflicts (2 of 4 stars). 2 submissions from 2 submitters: Uncertain significance (2). Last evaluated 2025-01-08.

Conditions:
Inborn genetic diseases. Identifiers: MedGen C0950123, MeSH D030342.

Allele frequency attached by ClinVar (database versions not stated): gnomAD exomes 0.00005; ESP Exome Variant Server 0.00008; ExAC 0.00012; gnomAD 0.00012; 1000 Genomes Project 30x 0.00016; TOPMed 0.00019; 1000 Genomes Project 0.00020.
gnomAD v4.1: 89 of 1,608,768 alleles (0.0055%); highest among the groups gnomAD compares: Middle Eastern, 0.05%; no homozygotes.

Submissions (2):

Ambry Genetics
Classification: Uncertain significance for Inborn genetic diseases. Last evaluated: 2025-01-08. Review status: criteria provided, single submitter. Criteria: Ambry Variant Classification Scheme 2023. Collection method: clinical testing. Allele origin: germline.

Labcorp Genetics (formerly Invitae), Labcorp
Classification: Uncertain significance. Last evaluated: 2022-08-05. Review status: criteria provided, single submitter. Criteria: Invitae Variant Classification Sherloc (09022015). Collection method: clinical testing. Allele origin: germline.
Comment: This sequence change replaces proline, which is neutral and non-polar, with leucine, which is neutral and non-polar, at codon 1046 of the MBTPS1 protein (p.Pro1046Leu). This variant is present in population databases (rs369203745, gnomAD 0.04%). This variant has not been reported in the literature in individuals affected with MBTPS1-related conditions. Algorithms developed to predict the effect of missense changes on protein structure and function output the following: SIFT: "Deleterious"; PolyPhen-2: "Benign"; Align-GVGD: "Class C0". The leucine amino acid residue is found in multiple mammalian species, which suggests that this missense change does not adversely affect protein function. In summary, the available evidence is currently insufficient to determine the role of this variant in disease. Therefore, it has been classified as a Variant of Uncertain Significance.

NM_003791.4(MBTPS1):c.3137C>T (p.Pro1046Leu)

Gene: MBTPS1 (membrane bound transcription factor peptidase, site 1; minus strand). Cytogenetic location: 16q23.3.
Variant type: single nucleotide variant.
Coding change: c.3137C>T on transcript NM_003791.4 (MANE Select); coding-DNA position 3137, C replaced by T.
Protein change: p.Pro1046Leu; replaces proline 1046 with leucine.
Molecular consequence: missense variant.
Genome position (GRCh38, 1-based): chr16:84,054,471, G>A on the plus strand (C>T on the coding strand, the complement: MBTPS1 is on the minus strand). VCF-style: chr16-84054471-G-A. GRCh37 (hg19) VCF-style: chr16-84088076-G-A.
Other names: c.3137C>T (NM_003791.2); short protein forms P1046L.
Identifiers: ClinVar variation 2074689 (VCV002074689.2), dbSNP rs369203745, ClinGen allele CA8200616.